The following is an entry in ClinVar:

NM_020166.5(MCCC1):c.1259T>C (p.Val420Ala)

Gene: MCCC1 (methylcrotonyl-CoA carboxylase subunit 1; minus strand). Cytogenetic location: 3q27.1.
Variant type: single nucleotide variant.
Coding change: c.1259T>C on transcript NM_020166.5 (MANE Select); coding-DNA position 1259, T replaced by C.
Protein change: p.Val420Ala; replaces valine 420 with alanine.
Molecular consequence: missense variant. On other transcripts: non-coding transcript variant (2).
Genome position (GRCh38, 1-based): chr3:183,041,575, A>G on the plus strand (T>C on the coding strand, the complement: MCCC1 is on the minus strand). VCF-style: chr3-183041575-A-G. GRCh37 (hg19) VCF-style: chr3-182759363-A-G.
Other names: c.908T>C, p.Val303Ala (NM_001293273.2); c.932T>C, p.Val311Ala (NM_001363880.1); short protein forms V303A, V311A, V420A.
Identifiers: ClinVar variation 989676 (VCV000989676.4), dbSNP rs946293038, ClinGen allele CA88703211.

ClinVar aggregate classification (germline): Uncertain significance. Review status: criteria provided, single submitter (1 of 4 stars). 2 submissions from 2 submitters: Uncertain significance (1). 1 of the submissions does not count toward it. Last evaluated 2022-02-21.

Conditions:
Methylcrotonyl-CoA carboxylase deficiency. Also called: 3 Methylcrotonylglycinuria; 3-MCC Deficiency; Deficiency of methylcrotonoyl-CoA carboxylase. Identifiers: Orphanet 6, MedGen C4551505, MONDO:0018950.
3-methylcrotonyl-CoA carboxylase 1 deficiency (MCC1D). Also called: MCC 1 deficiency; 3 Alpha methylcrotonylglycinuria 1; MCCD TYPE 1; METHYLCROTONYLGLYCINURIA TYPE I. Identifiers: Orphanet 6, MedGen CN028786, MONDO:0008861, OMIM 210200.

Allele frequency attached by ClinVar (database versions not stated): gnomAD 0.00001; TOPMed 0.00001.
gnomAD v4.1: 12 of 1,613,870 alleles (0.00074%); highest among the groups gnomAD compares: Non-Finnish European, 0.001%; no homozygotes.

Submissions (2):

Labcorp Genetics (formerly Invitae), Labcorp
Classification: Uncertain significance for 3-methylcrotonyl-CoA carboxylase 1 deficiency. Last evaluated: 2022-02-21. Review status: criteria provided, single submitter. Criteria: Invitae Variant Classification Sherloc (09022015). Collection method: clinical testing. Allele origin: germline.
Comment: This sequence change replaces valine, which is neutral and non-polar, with alanine, which is neutral and non-polar, at codon 420 of the MCCC1 protein (p.Val420Ala). This variant is not present in population databases (gnomAD no frequency). This variant has not been reported in the literature in individuals affected with MCCC1-related conditions. ClinVar contains an entry for this variant (Variation ID: 989676). Algorithms developed to predict the effect of missense changes on protein structure and function (SIFT, PolyPhen-2, Align-GVGD) all suggest that this variant is likely to be disruptive. In summary, the available evidence is currently insufficient to determine the role of this variant in disease. Therefore, it has been classified as a Variant of Uncertain Significance.

Natera, Inc.
Classification: Uncertain significance for 3-methylcrotonylglycinuria. Last evaluated: 2020-09-04. Review status: no assertion criteria provided. Collection method: clinical testing. Allele origin: germline. Not counted in ClinVar's aggregate classification.